The following is an entry in ClinVar:

ClinVar aggregate classification (germline): Conflicting classifications of pathogenicity. Review status: criteria provided, conflicting classifications (1 of 4 stars). 13 submissions from 8 submitters: Uncertain significance (3); Likely benign (10). Last evaluated 2026-01-26.

Conditions:
Connective tissue disorder. Also called: Connective tissue disease. Identifiers: MedGen C0009782, MONDO:0003900.
Spondylometaphyseal dysplasia, Kozlowski type (SMDK). Also called: Spondylometaphyseal Dysplasia, TRPV4-Related (Kozlowski Type); Dysmorphism arthrogryposis skeletal maturation advanced; Jequier-Kozlowski syndrome; Skeletal dysplasia Jequier-Kozlowski type; SMD Kozlowski type. Identifiers: Orphanet 93314, MedGen C0265280, MONDO:0008477, OMIM 184252.
Scapuloperoneal spinal muscular atrophy (SPSMA). Also called: Scapuloperoneal Spinal Muscular Atrophy, TRPV4-Related; AMYOTROPHY, NEUROGENIC SCAPULOPERONEAL, NEW ENGLAND TYPE; Scapuloperoneal Form of Spinal Muscular Atrophy; Scapuloperoneal spinal muscular atrophy, autosomal dominant. Identifiers: Orphanet 431255, MedGen C0751335, MONDO:0008408, OMIM 181405.
Charcot-Marie-Tooth disease axonal type 2C (HMSN2C). Also called: Charcot-Marie-Tooth Disease Type 2, TRPV4-Related (CMT2C); CHARCOT-MARIE-TOOTH DISEASE, AXONAL, AUTOSOMAL DOMINANT, TYPE 2C; Charcot-Marie-Tooth Neuropathy Type 2C. Identifiers: Orphanet 99937, MedGen C1853710, MONDO:0011633, OMIM 606071.
Brachyrachia (short spine dysplasia) (BCYM3). Also called: Brachyolmia, TRPV4-Related; Autosomal dominant brachyolmia; BRACHYRACHIA; Brachyolmia Type 3. Identifiers: Orphanet 93304, MedGen C0432227, MONDO:0007232, OMIM 113500.
Charcot-Marie-Tooth disease. Also called: Charcot-Marie-Tooth Neuropathy; Charcot-Marie-Tooth Hereditary Neuropathy. Identifiers: Orphanet 166, MedGen C0007959, MONDO:0015626.
Neuronopathy, distal hereditary motor, autosomal dominant 8. Also called: NEURONOPATHY, DISTAL HEREDITARY MOTOR, TYPE VIII; NEUROPATHY, DISTAL HEREDITARY MOTOR, TYPE VIII; Autosomal dominant congenital benign spinal muscular atrophy; SPINAL MUSCULAR ATROPHY, CONGENITAL BENIGN, WITH CONTRACTURES. Identifiers: Orphanet 1216, MedGen C1838492, MONDO:0010839, OMIM 600175.
Inborn genetic diseases. Identifiers: MedGen C0950123, MeSH D030342.
Metatropic dysplasia (MTD). Also called: METATROPIC DWARFISM; Metatropic Dysplasia, TRPV4-Related; Metatropic dysplasia, nonlethal dominant. Identifiers: Orphanet 2635, MedGen C0265281, MONDO:0007986, OMIM 156530.

Allele frequency attached by ClinVar (database versions not stated): gnomAD 0.00004 and 0.00005; TOPMed 0.00006; gnomAD exomes 0.00007; ESP Exome Variant Server 0.00008; ExAC 0.00009; 1000 Genomes Project 0.00020; 1000 Genomes Project 30x 0.00031.
gnomAD v4.1: 105 of 1,614,030 alleles (0.0065%); highest among the groups gnomAD compares: Non-Finnish European, 0.0084%; no homozygotes.

Submissions (13):

Labcorp Genetics (formerly Invitae), Labcorp
Classification: Likely benign for Charcot-Marie-Tooth disease axonal type 2C. Last evaluated: 2026-01-26. Review status: criteria provided, single submitter. Criteria: Invitae Variant Classification Sherloc (09022015). Collection method: clinical testing. Allele origin: germline.

Mayo Clinic Laboratories, Mayo Clinic
Classification: Likely benign. Last evaluated: 2025-05-07. Review status: criteria provided, single submitter. Criteria: ACMG Guidelines, 2015. Collection method: clinical testing. Allele origin: germline. Observed: 2 variant alleles.
Comment: BS2

Athena Diagnostics
Classification: Likely benign. Last evaluated: 2024-05-03. Review status: criteria provided, single submitter. Criteria: Athena Diagnostics Criteria. Collection method: clinical testing. Allele origin: unknown.

Blueprint Genetics
Classification: Likely benign. Last evaluated: 2023-06-12. Review status: criteria provided, single submitter. Criteria: ACMG Guidelines, 2015. Collection method: clinical testing. Allele origin: germline.

Genome Diagnostics Laboratory, The Hospital for Sick Children
Classification: Uncertain significance for Connective tissue disorder. Last evaluated: 2022-04-25. Review status: criteria provided, single submitter. Criteria: ACMG Guidelines, 2015. Collection method: clinical testing. Allele origin: germline.

Ambry Genetics
Classification: Likely benign for Inborn genetic diseases. Last evaluated: 2019-11-08. Review status: criteria provided, single submitter. Criteria: Ambry Variant Classification Scheme 2023. Collection method: clinical testing. Allele origin: germline.

Illumina Laboratory Services, Illumina
Classification: Likely benign for Neuronopathy, distal hereditary motor, autosomal dominant 8. Last evaluated: 2018-01-13. Review status: criteria provided, single submitter. Criteria: ICSL Variant Classification Criteria 13 December 2019. Collection method: clinical testing. Allele origin: germline.
Comment: This variant was observed in the ICSL laboratory as part of a predisposition screen in an ostensibly healthy population. It had not been previously curated by ICSL or reported in the Human Gene Mutation Database (HGMD: prior to June 1st, 2018), and was therefore a candidate for classification through an automated scoring system. Utilizing variant allele frequency, disease prevalence and penetrance estimates, and inheritance mode, an automated score was calculated to assess if this variant is too frequent to cause the disease. Based on the score and internal cut-off values, a variant classified as likely benign is not then subjected to further curation. The score for this variant resulted in a classification of likely benign for this disease.

Illumina Laboratory Services, Illumina
Classification: Likely benign for Scapuloperoneal spinal muscular atrophy. Last evaluated: 2018-01-13. Review status: criteria provided, single submitter. Criteria: ICSL Variant Classification Criteria 13 December 2019. Collection method: clinical testing. Allele origin: germline.
Comment: the same text as in the submission from Illumina Laboratory Services, Illumina above.

Illumina Laboratory Services, Illumina
Classification: Uncertain significance for Charcot-Marie-Tooth disease axonal type 2C. Last evaluated: 2018-01-13. Review status: criteria provided, single submitter. Criteria: ICSL Variant Classification Criteria 13 December 2019. Collection method: clinical testing. Allele origin: germline.

Illumina Laboratory Services, Illumina
Classification: Likely benign for Brachyrachia (short spine dysplasia). Last evaluated: 2018-01-13. Review status: criteria provided, single submitter. Criteria: ICSL Variant Classification Criteria 13 December 2019. Collection method: clinical testing. Allele origin: germline.
Comment: the same text as in the submission from Illumina Laboratory Services, Illumina above.

Illumina Laboratory Services, Illumina
Classification: Likely benign for Metatropic dysplasia. Last evaluated: 2018-01-13. Review status: criteria provided, single submitter. Criteria: ICSL Variant Classification Criteria 13 December 2019. Collection method: clinical testing. Allele origin: germline.
Comment: the same text as in the submission from Illumina Laboratory Services, Illumina above.

Illumina Laboratory Services, Illumina
Classification: Likely benign for Spondylometaphyseal dysplasia, Kozlowski type. Last evaluated: 2018-01-13. Review status: criteria provided, single submitter. Criteria: ICSL Variant Classification Criteria 13 December 2019. Collection method: clinical testing. Allele origin: germline.
Comment: the same text as in the submission from Illumina Laboratory Services, Illumina above.

Molecular Genetics Laboratory, London Health Sciences Centre
Classification: Uncertain significance for Charcot-Marie-Tooth disease. Review status: criteria provided, single submitter. Criteria: ACMG Guidelines, 2015. Collection method: clinical testing. Allele origin: germline. Affected: yes.

Literature cited by the submitters: PubMed 24793135 (cited by Athena Diagnostics).

NM_021625.5(TRPV4):c.205A>C (p.Met69Leu)

Gene: TRPV4 (transient receptor potential cation channel subfamily V member 4; minus strand). Cytogenetic location: 12q24.11.
Variant type: single nucleotide variant.
Coding change: c.205A>C on transcript NM_021625.5 (MANE Select); coding-DNA position 205, A replaced by C.
Protein change: p.Met69Leu; replaces methionine 69 with leucine.
Molecular consequence: missense variant.
Genome position (GRCh38, 1-based): chr12:109,814,592, T>G on the plus strand (A>C on the coding strand, the complement: TRPV4 is on the minus strand). VCF-style: chr12-109814592-T-G. GRCh37 (hg19) VCF-style: chr12-110252397-T-G.
Other names: p.Met69Leu; c.205A>C, p.Met69Leu (NM_001177428.2, NM_001177433.2, NM_147204.3); c.103A>C, p.Met35Leu (NM_001177431.2); short protein forms M69L, M35L.
Identifiers: ClinVar variation 307143 (VCV000307143.24), dbSNP rs200199102, ClinGen allele CA6780592.